The following is an entry in ClinVar:

NM_001297.5(CNGB1):c.2664C>G (p.Ala888=)

Gene: CNGB1 (cyclic nucleotide gated channel subunit beta 1; minus strand). Cytogenetic location: 16q21.
Variant type: single nucleotide variant.
Coding change: c.2664C>G on transcript NM_001297.5 (MANE Select); coding-DNA position 2664, C replaced by G.
Protein change: p.Ala888=; no amino-acid change (alanine 888 retained).
Molecular consequence: synonymous variant.
Genome position (GRCh38, 1-based): chr16:57,903,952, G>C on the plus strand (C>G on the coding strand, the complement: CNGB1 is on the minus strand). VCF-style: chr16-57903952-G-C. GRCh37 (hg19) VCF-style: chr16-57937856-G-C.
Other names: c.2646C>G, p.Ala882= (NM_001286130.2).
Identifiers: ClinVar variation 166894 (VCV000166894.39), dbSNP rs413562, ClinGen allele CA179897.

ClinVar aggregate classification (germline): Benign/Likely benign. Review status: criteria provided, multiple submitters, no conflicts (2 of 4 stars). 11 submissions from 11 submitters: Benign (8); Likely benign (1). 2 of the submissions do not count toward it. Last evaluated 2026-02-04.

Conditions:
Retinitis pigmentosa (RP). Identifiers: Orphanet 791, MedGen C0035334, MeSH D012174, MONDO:0019200, OMIM 268000. Inheritance: Autosomal dominant, autosomal recessive and X linked inheritance.
Retinitis pigmentosa 45 (RP45). Identifiers: Orphanet 791, MedGen C3151066, MONDO:0013413, OMIM 613767.

Allele frequency attached by ClinVar (database versions not stated): 1000 Genomes Project 0.70487; ESP Exome Variant Server 0.79164; 1000 Genomes Project 30x 0.69535.
gnomAD v4.1: 1,224,481 of 1,613,534 alleles (76%); highest among the groups gnomAD compares: East Asian, 93%; 470,130 homozygotes.

Submissions (11):

Labcorp Genetics (formerly Invitae), Labcorp
Classification: Benign. Last evaluated: 2026-02-04. Review status: criteria provided, single submitter. Criteria: Invitae Variant Classification Sherloc (09022015). Collection method: clinical testing. Allele origin: germline.

Blueprint Genetics
Classification: Likely benign. Last evaluated: 2024-11-28. Review status: criteria provided, single submitter. Criteria: ACMG Guidelines, 2015. Collection method: clinical testing. Allele origin: germline.

ARUP Laboratories, Molecular Genetics and Genomics, ARUP Laboratories
Classification: Benign for Retinitis pigmentosa 45. Last evaluated: 2023-11-29. Review status: criteria provided, single submitter. Criteria: ARUP Molecular Germline Variant Investigation Process 2024. Collection method: clinical testing. Allele origin: germline.

Genome-Nilou Lab
Classification: Benign for Retinitis pigmentosa 45. Last evaluated: 2021-07-22. Review status: criteria provided, single submitter. Criteria: ACMG Guidelines, 2015. Collection method: clinical testing. Allele origin: germline. Affected: no.

GeneDx
Classification: Benign. Last evaluated: 2018-11-06. Review status: criteria provided, single submitter. Criteria: GeneDx Variant Classification Process June 2021. Collection method: clinical testing. Allele origin: germline. Affected: yes.

Illumina Laboratory Services, Illumina
Classification: Benign for Retinitis pigmentosa. Last evaluated: 2018-01-13. Review status: criteria provided, single submitter. Criteria: ICSL Variant Classification Criteria 13 December 2019. Collection method: clinical testing. Allele origin: germline.
Comment: This variant was observed in the ICSL laboratory as part of a predisposition screen in an ostensibly healthy population. It had not been previously curated by ICSL or reported in the Human Gene Mutation Database (HGMD: prior to June 1st, 2018), and was therefore a candidate for classification through an automated scoring system. Utilizing variant allele frequency, disease prevalence and penetrance estimates, and inheritance mode, an automated score was calculated to assess if this variant is too frequent to cause the disease. Based on the score and internal cut-off values, a variant classified as benign is not then subjected to further curation. The score for this variant resulted in a classification of benign for this disease.

Eurofins Ntd Llc (ga)
Classification: Benign. Last evaluated: 2014-01-17. Review status: criteria provided, single submitter. Criteria: EGL Classification Definitions 2015. Collection method: clinical testing. Allele origin: germline. Observed: 5 variant alleles, 4 heterozygotes, 1 homozygote.

Breakthrough Genomics
Classification: Benign. Review status: criteria provided, single submitter. Criteria: ACMG Guidelines, 2015. Collection method: not provided. Allele origin: germline. Inheritance: Autosomal recessive inheritance. Affected: yes.

PreventionGenetics, part of Exact Sciences
Classification: Benign. Review status: criteria provided, single submitter. Criteria: ACMG Guidelines, 2015. Collection method: clinical testing. Allele origin: germline.

Diagnostic Laboratory, Department of Genetics, University Medical Center Groningen
Classification: Benign. Review status: no assertion criteria provided. Collection method: clinical testing. Allele origin: germline. Affected: yes. Study: VKGL Data-share Consensus. Not counted in ClinVar's aggregate classification.

Joint Genome Diagnostic Labs from Nijmegen and Maastricht, Radboudumc and MUMC+
Classification: Benign. Review status: no assertion criteria provided. Collection method: clinical testing. Allele origin: germline. Affected: yes. Study: VKGL Data-share Consensus. Not counted in ClinVar's aggregate classification.